The following is an entry in ClinVar:

ClinVar aggregate classification (germline): Uncertain significance. Review status: criteria provided, single submitter (1 of 4 stars). 2 submissions from 2 submitters: Uncertain significance (1). 1 of the submissions does not count toward it. Last evaluated 2025-06-14.

Conditions:
Duchenne muscular dystrophy (DMD). Also called: MUSCULAR DYSTROPHY, PSEUDOHYPERTROPHIC PROGRESSIVE, DUCHENNE TYPE; Duchenne Muscular Dystrophy (DMD). Identifiers: Orphanet 98896, MedGen C0013264, MONDO:0010679, OMIM 310200.
Dystrophin deficiency.
Becker muscular dystrophy (BMD). Also called: MUSCULAR DYSTROPHY, PSEUDOHYPERTROPHIC PROGRESSIVE, BECKER TYPE; Becker Muscular Dystrophy (BMD). Identifiers: Orphanet 98895, MedGen C0917713, MONDO:0010311, OMIM 300376.
Cardiomyopathy (CMYO). Also called: Cardiomyopathies. Identifiers: Orphanet 167848, MedGen C0878544, MONDO:0004994, HP:0001638. Inheritance: Various modes of inheritance.

Allele frequency attached by ClinVar (database versions not stated): gnomAD exomes below 0.00001 and 0.00001; TOPMed below 0.00001; gnomAD 0.00001.
gnomAD v4.1: 6 of 1,181,636 alleles (0.00051%); highest among the groups gnomAD compares: Non-Finnish European, 0.00069%; no homozygotes.

Submissions (2):

Labcorp Genetics (formerly Invitae), Labcorp
Classification: Uncertain significance for Duchenne muscular dystrophy. Last evaluated: 2025-06-14. Review status: criteria provided, single submitter. Criteria: Invitae Variant Classification Sherloc (09022015). Collection method: clinical testing. Allele origin: germline.
Comment: This sequence change affects codon 3362 of the DMD mRNA. It is a 'silent' change, meaning that it does not change the encoded amino acid sequence of the DMD protein. This variant also falls at the last nucleotide of exon 69, which is part of the consensus splice site for this exon. This variant is present in population databases (no rsID available, gnomAD 0.001%). This variant has not been reported in the literature in individuals affected with DMD-related conditions. ClinVar contains an entry for this variant (Variation ID: 964762). Variants that disrupt the consensus splice site are a relatively common cause of aberrant splicing (PMID: 17576681, 9536098). Algorithms developed to predict the effect of sequence changes on RNA splicing suggest that this variant may disrupt the consensus splice site. In summary, the available evidence is currently insufficient to determine the role of this variant in disease. Therefore, it has been classified as a Variant of Uncertain Significance.

Natera, Inc.
Classification: Uncertain significance for Becker muscular dystrophy; Cardiomyopathy; Duchenne muscular dystrophy; Dystrophin deficiency. Last evaluated: 2018-12-24. Review status: no assertion criteria provided. Collection method: clinical testing. Allele origin: germline. Not counted in ClinVar's aggregate classification.

Literature cited by the submitters: PubMed 17576681 (cited by Labcorp Genetics (formerly Invitae), Labcorp); PubMed 9536098 (cited by Labcorp Genetics (formerly Invitae), Labcorp).

NM_004006.3(DMD):c.10086G>A (p.Pro3362=)

Gene: DMD (dystrophin; minus strand). Cytogenetic location: Xp21.2.
Variant type: single nucleotide variant.
Coding change: c.10086G>A on transcript NM_004006.3 (MANE Select); coding-DNA position 10086, G replaced by A.
Protein change: p.Pro3362=; no amino-acid change (proline 3362 retained).
Molecular consequence: synonymous variant.
Genome position (GRCh38, 1-based): chrX:31,180,370, C>T on the plus strand (G>A on the coding strand, the complement: DMD is on the minus strand). VCF-style: chrX-31180370-C-T. GRCh37 (hg19) VCF-style: chrX-31198487-C-T.
Other names: c.10062G>A, p.Pro3354= (NM_000109.4); c.10074G>A, p.Pro3358= (NM_004009.3); c.9717G>A, p.Pro3239= (NM_004010.3); c.6063G>A, p.Pro2021= (NM_004011.4); c.6054G>A, p.Pro2018= (NM_004012.4); c.2706G>A, p.Pro902= (NM_004013.3, NM_004020.4, NM_004021.3 and 2 more transcripts); c.1899G>A, p.Pro633= (NM_004014.3); c.882G>A, p.Pro294= (NM_004015.3, NM_004016.3, NM_004017.3 and 2 more transcripts).
Identifiers: ClinVar variation 964762 (VCV000964762.8), dbSNP rs201288384, ClinGen allele CA515857959.
Genomic context (GRCh38, chrX:31,180,370, plus strand): 5'-ACAAAACTGAAATTTATCCCAGGTGAACTAACTCTCACGTCAGGCTGGCGTCAAACTTAC[C>T]GGAGTGCAATATTCCACCATGGGATAGTGCATTTTATGGCCTTTTGCAACTCGACCAGAA-3'
Protein context (NP_003997.2, residues 3352-3372): MHYPMVEYCT[Pro3362=]TTSGEDVRDF